The following is an entry in ClinVar:

NM_004369.4(COL6A3):c.2291A>T (p.Asn764Ile)

Gene: COL6A3 (collagen type VI alpha 3 chain; minus strand). Cytogenetic location: 2q37.3.
Variant type: single nucleotide variant.
Coding change: c.2291A>T on transcript NM_004369.4 (MANE Select); coding-DNA position 2291, A replaced by T.
Protein change: p.Asn764Ile; replaces asparagine 764 with isoleucine.
Molecular consequence: missense variant. On other transcripts: intron variant (1).
Genome position (GRCh38, 1-based): chr2:237,378,842, T>A on the plus strand (A>T on the coding strand, the complement: COL6A3 is on the minus strand). VCF-style: chr2-237378842-T-A. GRCh37 (hg19) VCF-style: chr2-238287485-T-A.
Other names: c.1070A>T, p.Asn357Ile (NM_057164.5); c.1673A>T, p.Asn558Ile (NM_057165.5, NM_057167.4); c.677-1498A>T (NM_057166.5); short protein forms N558I, N764I, N357I.
Identifiers: ClinVar variation 3644417 (VCV003644417.2).

ClinVar aggregate classification (germline): Uncertain significance (1 of 4 stars; one submission).

Conditions:
Bethlem myopathy 1A. Also called: Bethlem myopathy 1; MYOPATHY, BENIGN CONGENITAL, WITH CONTRACTURES; Bethlem Muscular Dystrophy. Identifiers: Orphanet 610, MedGen CN029274, MONDO:0024530, OMIM 158810.

Submission:

Labcorp Genetics (formerly Invitae), Labcorp
Classification: Uncertain significance for Bethlem myopathy 1A. Last evaluated: 2024-07-27. Review status: criteria provided, single submitter. Criteria: Invitae Variant Classification Sherloc (09022015). Collection method: clinical testing. Allele origin: germline.
Comment: This sequence change replaces asparagine, which is neutral and polar, with isoleucine, which is neutral and non-polar, at codon 764 of the COL6A3 protein (p.Asn764Ile). This variant is not present in population databases (gnomAD no frequency). This variant has not been reported in the literature in individuals affected with COL6A3-related conditions. Advanced modeling of protein sequence and biophysical properties (such as structural, functional, and spatial information, amino acid conservation, physicochemical variation, residue mobility, and thermodynamic stability) performed at Invitae indicates that this missense variant is not expected to disrupt COL6A3 protein function with a negative predictive value of 95%. In summary, the available evidence is currently insufficient to determine the role of this variant in disease. Therefore, it has been classified as a Variant of Uncertain Significance.